The following is an entry in ClinVar:

ClinVar aggregate classification (germline): Likely benign (0 of 4 stars; one submission).

Conditions:
LTBP1-related disorder. Also called: LTBP1-related condition.

Allele frequency attached by ClinVar (database versions not stated): TOPMed below 0.00001; gnomAD exomes 0.00001.
gnomAD v4.1: 7 of 1,609,310 alleles (0.00043%); highest among the groups gnomAD compares: Non-Finnish European, 0.00059%; no homozygotes.

Submission:

PreventionGenetics, part of Exact Sciences
Classification: Likely benign for LTBP1-related condition. Last evaluated: 2020-07-13. Review status: no assertion criteria provided. Collection method: clinical testing. Allele origin: germline.
Comment: This variant is classified as likely benign based on ACMG/AMP sequence variant interpretation guidelines (Richards et al. 2015 PMID: 25741868, with internal and published modifications).

NM_206943.4(LTBP1):c.618C>G (p.Leu206=)

Gene: LTBP1 (latent transforming growth factor beta binding protein 1; plus strand). Cytogenetic location: 2p22.3.
Variant type: single nucleotide variant.
Coding change: c.618C>G on transcript NM_206943.4 (MANE Select); coding-DNA position 618, C replaced by G.
Protein change: p.Leu206=; no amino-acid change (leucine 206 retained).
Molecular consequence: synonymous variant.
Genome position (GRCh38, 1-based): chr2:33,020,961, C>G. VCF-style: chr2-33020961-C-G. GRCh37 (hg19) VCF-style: chr2-33246028-C-G.
Other names: c.618C>G, p.Leu206= (NM_001394905.1).
Identifiers: ClinVar variation 3037025 (VCV003037025.2), dbSNP rs1210722843, ClinGen allele CA425628572.